The following is an entry in ClinVar:

ClinVar aggregate classification (germline): Conflicting classifications of pathogenicity. Review status: criteria provided, conflicting classifications (1 of 4 stars). 4 submissions from 4 submitters: Uncertain significance (3); Likely benign (1). Last evaluated 2026-07-30.

Conditions:
Macrocephaly-developmental delay syndrome (MRT41). Also called: INTELLECTUAL DEVELOPMENTAL DISORDER, AUTOSOMAL RECESSIVE 41. Identifiers: Orphanet 397612, MedGen C3810225, MONDO:0014289, OMIM 615637.
Inborn genetic diseases. Identifiers: MedGen C0950123, MeSH D030342.

Allele frequency attached by ClinVar (database versions not stated): gnomAD exomes 0.00003 and 0.00004; TOPMed 0.00003; ExAC 0.00001; gnomAD 0.00003.
gnomAD v4.1: 80 of 1,613,294 alleles (0.005%); highest among the groups gnomAD compares: Admixed American, 0.012%; no homozygotes.

Submissions (4):

GeneDx
Classification: Uncertain significance. Last evaluated: 2026-07-30. Review status: criteria provided, single submitter. Criteria: GeneDx Variant Classification Process June 2021. Collection method: clinical testing. Allele origin: germline.
Comment: In silico analysis suggests that this missense variant does not alter protein structure/function; Has not been previously published as pathogenic or benign to our knowledge

Ambry Genetics
Classification: Likely benign for Inborn genetic diseases. Last evaluated: 2025-01-24. Review status: criteria provided, single submitter. Criteria: Ambry Variant Classification Scheme 2023. Collection method: clinical testing. Allele origin: germline.

Labcorp Genetics (formerly Invitae), Labcorp
Classification: Uncertain significance for Macrocephaly-developmental delay syndrome. Last evaluated: 2022-11-08. Review status: criteria provided, single submitter. Criteria: Invitae Variant Classification Sherloc (09022015). Collection method: clinical testing. Allele origin: germline.
Comment: In summary, the available evidence is currently insufficient to determine the role of this variant in disease. Therefore, it has been classified as a Variant of Uncertain Significance. Algorithms developed to predict the effect of missense changes on protein structure and function output the following: SIFT: "Tolerated"; PolyPhen-2: "Benign"; Align-GVGD: "Class C0". The glycine amino acid residue is found in multiple mammalian species, which suggests that this missense change does not adversely affect protein function. ClinVar contains an entry for this variant (Variation ID: 1336465). This variant has not been reported in the literature in individuals affected with KPTN-related conditions. This variant is present in population databases (rs781132082, gnomAD 0.004%). This sequence change replaces glutamic acid, which is acidic and polar, with glycine, which is neutral and non-polar, at codon 423 of the KPTN protein (p.Glu423Gly).

Genetic Services Laboratory, University of Chicago
Classification: Uncertain significance. Last evaluated: 2017-12-29. Review status: criteria provided, single submitter. Criteria: ACMG Guidelines, 2015. Collection method: clinical testing. Allele origin: germline. Affected: no.

NM_007059.4(KPTN):c.1268A>G (p.Glu423Gly)

Gene: KPTN (kaptin, actin binding protein; minus strand). Cytogenetic location: 19q13.32.
Variant type: single nucleotide variant.
Coding change: c.1268A>G on transcript NM_007059.4 (MANE Select); coding-DNA position 1268, A replaced by G.
Protein change: p.Glu423Gly; replaces glutamic acid 423 with glycine.
Molecular consequence: missense variant. On other transcripts: non-coding transcript variant (1).
Genome position (GRCh38, 1-based): chr19:47,475,459, T>C on the plus strand (A>G on the coding strand, the complement: KPTN is on the minus strand). VCF-style: chr19-47475459-T-C. GRCh37 (hg19) VCF-style: chr19-47978716-T-C.
Other names: c.1100A>G, p.Glu367Gly (NM_001291296.2); c.1268A>G (NM_007059.2); short protein forms E367G, E423G.
Identifiers: ClinVar variation 1336465 (VCV001336465.11), dbSNP rs781132082, ClinGen allele CA9540153.